The following is an entry in ClinVar:

ClinVar aggregate classification (germline): Pathogenic. Review status: criteria provided, multiple submitters, no conflicts (2 of 4 stars). 2 submissions from 2 submitters: Pathogenic (2). Last evaluated 2026-02-23.

Conditions:
Developmental and epileptic encephalopathy, 39 (DEE39). Also called: DEVELOPMENTAL AND EPILEPTIC ENCEPHALOPATHY 39 WITH LEUKODYSTROPHY. Identifiers: Orphanet 353217, MedGen C2751855, MONDO:0013056, OMIM 612949.

Allele frequency attached by ClinVar (database versions not stated): 1000 Genomes Project 30x 0.00016; 1000 Genomes Project 0.00020; gnomAD exomes below 0.00001; ExAC 0.00001; gnomAD 0.00001; TOPMed 0.00002.
gnomAD v4.1: 4 of 1,613,980 alleles (0.00025%); highest among the groups gnomAD compares: East Asian, 0.0022%; no homozygotes.

Submissions (2):

Women's Health and Genetics/Laboratory Corporation of America, LabCorp
Classification: Pathogenic for Developmental and epileptic encephalopathy, 39. Last evaluated: 2026-02-23. Review status: criteria provided, single submitter. Criteria: LabCorp Variant Classification Summary - May 2015. Collection method: clinical testing. Allele origin: germline.
Comment: Variant summary: SLC25A12 c.1057C>T (p.Arg353X) results in a premature termination codon, predicted to cause a truncation of the encoded protein or absence of the protein due to nonsense mediated decay, which are commonly known mechanisms for disease. The variant allele was found at a frequency of 8e-06 in 251284 control chromosomes. To our knowledge, no occurrence of c.1057C>T in individuals affected with SLC25A12-related conditions and no experimental evidence demonstrating its impact on protein function have been reported. ClinVar contains an entry for this variant (Variation ID: 2150869). Based on the evidence outlined above, the variant was classified as pathogenic.

Labcorp Genetics (formerly Invitae), Labcorp
Classification: Pathogenic. Last evaluated: 2022-06-29. Review status: criteria provided, single submitter. Criteria: Invitae Variant Classification Sherloc (09022015). Collection method: clinical testing. Allele origin: germline.
Comment: This sequence change creates a premature translational stop signal (p.Arg353*) in the SLC25A12 gene. It is expected to result in an absent or disrupted protein product. Loss-of-function variants in SLC25A12 are known to be pathogenic (PMID: 20015484, 31403263). This variant is present in population databases (rs575028555, gnomAD 0.003%). This variant has not been reported in the literature in individuals affected with SLC25A12-related conditions. For these reasons, this variant has been classified as Pathogenic.

Literature cited by the submitters: PubMed 20015484 (cited by Labcorp Genetics (formerly Invitae), Labcorp); PubMed 31403263 (cited by Labcorp Genetics (formerly Invitae), Labcorp).

NM_003705.5(SLC25A12):c.1057C>T (p.Arg353Ter)

Gene: SLC25A12 (solute carrier family 25 member 12; minus strand). Cytogenetic location: 2q31.1.
Variant type: single nucleotide variant.
Coding change: c.1057C>T on transcript NM_003705.5 (MANE Select); coding-DNA position 1057, C replaced by T.
Protein change: p.Arg353Ter; replaces arginine 353 with a stop codon.
Molecular consequence: nonsense. On other transcripts: non-coding transcript variant (1).
Genome position (GRCh38, 1-based): chr2:171,813,453, G>A on the plus strand (C>T on the coding strand, the complement: SLC25A12 is on the minus strand). VCF-style: chr2-171813453-G-A. GRCh37 (hg19) VCF-style: chr2-172669963-G-A.
Other names: short protein forms R353*.
Identifiers: ClinVar variation 2150869 (VCV002150869.5), dbSNP rs575028555, ClinGen allele CA1966219.